The following is an entry in ClinVar:

NM_030973.4(MED25):c.526-16G>A

Gene: MED25 (mediator complex subunit 25; plus strand). Cytogenetic location: 19q13.33.
Variant type: single nucleotide variant.
Coding change: c.526-16G>A on transcript NM_030973.4 (MANE Select); 16 bases into the intron before coding-DNA position 526, G replaced by A.
Molecular consequence: intron variant.
Genome position (GRCh38, 1-based): chr19:49,829,770, G>A. VCF-style: chr19-49829770-G-A. GRCh37 (hg19) VCF-style: chr19-50333027-G-A.
Other names: c.526-16G>A (NM_001378355.1).
Identifiers: ClinVar variation 382517 (VCV000382517.4), dbSNP rs756139455, ClinGen allele CA9584901.

ClinVar aggregate classification (germline): Likely benign. Review status: criteria provided, multiple submitters, no conflicts (2 of 4 stars). 2 submissions from 2 submitters: Likely benign (2). Last evaluated 2024-01-02.

Conditions:
Charcot-Marie-Tooth disease type 2. Also called: Charcot-Marie-Tooth type 2. Identifiers: Orphanet 64746, MedGen C0270914, MONDO:0018993.

Allele frequency attached by ClinVar (database versions not stated): TOPMed 0.00001; gnomAD 0.00001; gnomAD exomes 0.00004 and 0.00001; ExAC 0.00008.
gnomAD v4.1: 17 of 1,575,168 alleles (0.0011%); highest among the groups gnomAD compares: East Asian, 0.014%; no homozygotes.

Submissions (2):

Labcorp Genetics (formerly Invitae), Labcorp
Classification: Likely benign for Charcot-Marie-Tooth disease type 2. Last evaluated: 2024-01-02. Review status: criteria provided, single submitter. Criteria: Invitae Variant Classification Sherloc (09022015). Collection method: clinical testing. Allele origin: germline.

GeneDx
Classification: Likely benign. Last evaluated: 2016-01-21. Review status: criteria provided, single submitter. Criteria: GeneDx Variant Classification (06012015). Collection method: clinical testing. Allele origin: germline. Affected: yes.
Comment: This variant is considered likely benign or benign based on one or more of the following criteria: it is a conservative change, it occurs at a poorly conserved position in the protein, it is predicted to be benign by multiple in silico algorithms, and/or has population frequency not consistent with disease.